The following is an entry in ClinVar:

NM_015631.6(TCTN3):c.92C>A (p.Ala31Glu)

Genes: TCTN3 (tectonic family member 3; minus strand), LOC130004408 (ATAC-STARR-seq lymphoblastoid active region 3801; plus strand). Cytogenetic location: 10q24.1.
Variant type: single nucleotide variant.
Coding change: c.92C>A on transcript NM_015631.6 (MANE Select); coding-DNA position 92, C replaced by A.
Protein change: p.Ala31Glu; replaces alanine 31 with glutamic acid.
Molecular consequence: missense variant.
Genome position (GRCh38, 1-based): chr10:95,693,808, G>T on the plus strand (C>A on the coding strand, the complement: TCTN3 is on the minus strand). VCF-style: chr10-95693808-G-T. GRCh37 (hg19) VCF-style: chr10-97453565-G-T.
Other names: c.146C>A, p.Ala49Glu (NM_001013840.1); c.92C>A, p.Ala31Glu (NM_001143973.2, NM_001410982.1); short protein forms A31E, A49E.
Identifiers: ClinVar variation 2123567 (VCV002123567.2), dbSNP rs2097956191, ClinGen allele CA377713962.

ClinVar aggregate classification (germline): Uncertain significance (1 of 4 stars; one submission).

Conditions:
Joubert syndrome 18 (JBTS18). Identifiers: Orphanet 2754, MedGen C3553758, MONDO:0013896, OMIM 614815.
Orofacial-digital syndrome IV (OFD4). Also called: BARAITSER-BURN SYNDROME; OFD SYNDROME WITH TIBIAL DEFECTS; OFD SYNDROME, BARAITSER-BURN TYPE; OFDS IV; ORAL-FACIAL-DIGITAL SYNDROME, TYPE IV; Orofaciodigital syndrome IV. Identifiers: Orphanet 2753, MedGen C0406727, MONDO:0009794, OMIM 258860.

Allele frequency attached by ClinVar (database versions not stated): TOPMed below 0.00001; gnomAD exomes 0.00001.
gnomAD v4.1: 8 of 1,551,734 alleles (0.00052%); highest among the groups gnomAD compares: Non-Finnish European, 0.0007%; no homozygotes.

Submission:

Labcorp Genetics (formerly Invitae), Labcorp
Classification: Uncertain significance for Joubert syndrome 18; Orofacial-digital syndrome IV. Last evaluated: 2022-05-31. Review status: criteria provided, single submitter. Criteria: Invitae Variant Classification Sherloc (09022015). Collection method: clinical testing. Allele origin: germline.
Comment: This variant has not been reported in the literature in individuals affected with TCTN3-related conditions. In summary, the available evidence is currently insufficient to determine the role of this variant in disease. Therefore, it has been classified as a Variant of Uncertain Significance. Algorithms developed to predict the effect of missense changes on protein structure and function are either unavailable or do not agree on the potential impact of this missense change (SIFT: "Deleterious"; PolyPhen-2: "Benign"; Align-GVGD: "Class C0"). This variant is not present in population databases (gnomAD no frequency). This sequence change replaces alanine, which is neutral and non-polar, with glutamic acid, which is acidic and polar, at codon 31 of the TCTN3 protein (p.Ala31Glu).